The following is an entry in ClinVar:

NM_004239.4(TRIP11):c.4727G>A (p.Arg1576His)

Gene: TRIP11 (thyroid hormone receptor interactor 11; minus strand). Cytogenetic location: 14q32.12.
Variant type: single nucleotide variant.
Coding change: c.4727G>A on transcript NM_004239.4 (MANE Select); coding-DNA position 4727, G replaced by A.
Protein change: p.Arg1576His; replaces arginine 1576 with histidine.
Molecular consequence: missense variant.
Genome position (GRCh38, 1-based): chr14:91,999,405, C>T on the plus strand (G>A on the coding strand, the complement: TRIP11 is on the minus strand). VCF-style: chr14-91999405-C-T. GRCh37 (hg19) VCF-style: chr14-92465749-C-T.
Other names: c.4724G>A, p.Arg1575His (NM_001321851.1); short protein forms R1576H, R1575H.
Identifiers: ClinVar variation 314938 (VCV000314938.27), dbSNP rs35007347, ClinGen allele CA7313375.

ClinVar aggregate classification (germline): Benign/Likely benign. Review status: criteria provided, multiple submitters, no conflicts (2 of 4 stars). 7 submissions from 7 submitters: Benign (6); Likely benign (1). Last evaluated 2026-05-09.

Conditions:
Achondrogenesis, type IA (ACG1A). Identifiers: Orphanet 932, Orphanet 93299, MedGen C0265273, MONDO:0008701, OMIM 200600.
Connective tissue disorder. Also called: Connective tissue disease. Identifiers: MedGen C0009782, MONDO:0003900.

Allele frequency attached by ClinVar (database versions not stated): 1000 Genomes Project 30x 0.00781; gnomAD exomes 0.01436 and 0.02313; gnomAD 0.01446 and 0.01467; 1000 Genomes Project 0.00799; TOPMed 0.01394; ExAC 0.01513; ESP Exome Variant Server 0.01953.
gnomAD v4.1: 35,847 of 1,613,676 alleles (2.2%); highest among the groups gnomAD compares: Non-Finnish European, 2.7%; 513 homozygotes.

Submissions (7):

Women's Health and Genetics/Laboratory Corporation of America, LabCorp
Classification: Likely benign. Last evaluated: 2026-05-09. Review status: criteria provided, single submitter. Criteria: LabCorp Variant Classification Summary - May 2015. Collection method: clinical testing. Allele origin: germline.

Labcorp Genetics (formerly Invitae), Labcorp
Classification: Benign for Achondrogenesis, type IA. Last evaluated: 2026-02-02. Review status: criteria provided, single submitter. Criteria: Invitae Variant Classification Sherloc (09022015). Collection method: clinical testing. Allele origin: germline.

ARUP Laboratories, Molecular Genetics and Genomics, ARUP Laboratories
Classification: Benign. Last evaluated: 2023-11-09. Review status: criteria provided, single submitter. Criteria: ARUP Molecular Germline Variant Investigation Process 2024. Collection method: clinical testing. Allele origin: germline.

Genome Diagnostics Laboratory, The Hospital for Sick Children
Classification: Benign for Connective tissue disorder. Last evaluated: 2022-05-12. Review status: criteria provided, single submitter. Criteria: ACMG Guidelines, 2015. Collection method: clinical testing. Allele origin: germline.

Illumina Laboratory Services, Illumina
Classification: Benign for Achondrogenesis, type IA. Last evaluated: 2018-01-13. Review status: criteria provided, single submitter. Criteria: ICSL Variant Classification Criteria 13 December 2019. Collection method: clinical testing. Allele origin: germline.
Comment: This variant was observed in the ICSL laboratory as part of a predisposition screen in an ostensibly healthy population. It had not been previously curated by ICSL or reported in the Human Gene Mutation Database (HGMD: prior to June 1st, 2018), and was therefore a candidate for classification through an automated scoring system. Utilizing variant allele frequency, disease prevalence and penetrance estimates, and inheritance mode, an automated score was calculated to assess if this variant is too frequent to cause the disease. Based on the score and internal cut-off values, a variant classified as benign is not then subjected to further curation. The score for this variant resulted in a classification of benign for this disease.

GeneDx
Classification: Benign. Last evaluated: 2016-10-04. Review status: criteria provided, single submitter. Criteria: GeneDx Variant Classification (06012015). Collection method: clinical testing. Allele origin: germline. Affected: yes.
Comment: This variant is considered likely benign or benign based on one or more of the following criteria: it is a conservative change, it occurs at a poorly conserved position in the protein, it is predicted to be benign by multiple in silico algorithms, and/or has population frequency not consistent with disease.

Breakthrough Genomics
Classification: Benign. Review status: criteria provided, single submitter. Criteria: ACMG Guidelines, 2015. Collection method: not provided. Allele origin: germline. Inheritance: Autosomal recessive inheritance. Affected: yes.